The following is an entry in ClinVar:

ClinVar aggregate classification (germline): Benign/Likely benign. Review status: criteria provided, multiple submitters, no conflicts (2 of 4 stars). 6 submissions from 6 submitters: Benign (3); Likely benign (3). Last evaluated 2026-01-19.

Conditions:
Left ventricular noncompaction 8 (LVNC8). Identifiers: Orphanet 154, Orphanet 54260, MedGen C3809288, MONDO:0014152, OMIM 615373.

Allele frequency attached by ClinVar (database versions not stated): ESP Exome Variant Server 0.00054; TOPMed 0.00057; ExAC 0.00066; gnomAD exomes 0.00088.
gnomAD v4.1: 815 of 1,611,430 alleles (0.051%); highest among the groups gnomAD compares: Non-Finnish European, 0.0098%; 4 homozygotes.

Submissions (6):

Labcorp Genetics (formerly Invitae), Labcorp
Classification: Benign for Left ventricular noncompaction 8. Last evaluated: 2026-01-19. Review status: criteria provided, single submitter. Criteria: Invitae Variant Classification Sherloc (09022015). Collection method: clinical testing. Allele origin: germline.

Blueprint Genetics
Classification: Benign. Last evaluated: 2024-11-11. Review status: criteria provided, single submitter. Criteria: ACMG Guidelines, 2015. Collection method: clinical testing. Allele origin: germline.

CeGaT Center for Human Genetics Tuebingen
Classification: Likely benign. Last evaluated: 2024-08-01. Review status: criteria provided, single submitter. Criteria: CeGaT Center For Human Genetics Tuebingen Variant Classification Criteria Version 2. Collection method: clinical testing. Allele origin: germline. Affected: yes. Observed: 2 variant alleles.
Comment: PRDM16: BP4, BP7

Women's Health and Genetics/Laboratory Corporation of America, LabCorp
Classification: Benign. Last evaluated: 2024-03-11. Review status: criteria provided, single submitter. Criteria: LabCorp Variant Classification Summary - May 2015. Collection method: clinical testing. Allele origin: germline.

GeneDx
Classification: Likely benign. Last evaluated: 2020-10-01. Review status: criteria provided, single submitter. Criteria: GeneDx Variant Classification Process June 2021. Collection method: clinical testing. Allele origin: germline. Affected: yes.
Comment: This variant is associated with the following publications: (PMID: 21750719)

Laboratory for Molecular Medicine, Mass General Brigham Personalized Medicine
Classification: Likely benign. Last evaluated: 2014-11-24. Review status: criteria provided, single submitter. Criteria: LMM Criteria. Collection method: clinical testing. Allele origin: germline. Observed: 1 variant allele.
Comment: p.Ser378Ser in exon 8 of PRDM16: This variant is not expected to have clinical s ignificance because it does not alter an amino acid residue and is not located w ithin the splice consensus sequence. It has been identified in 0.1% (7/8590) of European American chromosomes from a broad population by the NHLBI Exome Sequenc ing Project.

NM_022114.4(PRDM16):c.1134C>G (p.Ser378=)

Gene: PRDM16 (PR/SET domain 16; plus strand). Cytogenetic location: 1p36.32.
Variant type: single nucleotide variant.
Coding change: c.1134C>G on transcript NM_022114.4 (MANE Select); coding-DNA position 1134, C replaced by G.
Protein change: p.Ser378=; no amino-acid change (serine 378 retained).
Molecular consequence: synonymous variant.
Genome position (GRCh38, 1-based): chr1:3,405,596, C>G. VCF-style: chr1-3405596-C-G. GRCh37 (hg19) VCF-style: chr1-3322160-C-G.
Other names: c.1134C>G, p.Ser378= (NM_199454.3).
Identifiers: ClinVar variation 227859 (VCV000227859.48), dbSNP rs200169663, ClinGen allele CA544106.
Genomic context (GRCh38, chr1:3,405,596, plus strand): 5'-GCAGCACGTGGGCGCTCGGGCCCACGCCTGCCCCGACTGCGGGAAGACCTTCGCCACGTC[C>G]TCCGGCCTCAAGCAGCACAAGCATATCCACAGCACGGTGAAGCCTTTCATATGTGAGTGG-3'
Protein context (NP_071397.3, residues 368-388): CPDCGKTFAT[Ser378=]SGLKQHKHIH